The following is an entry in ClinVar:

NM_144997.7(FLCN):c.1732C>T (p.Arg578Trp)

Gene: FLCN (folliculin; minus strand). Cytogenetic location: 17p11.2.
Variant type: single nucleotide variant.
Coding change: c.1732C>T on transcript NM_144997.7 (MANE Select); coding-DNA position 1732, C replaced by T.
Protein change: p.Arg578Trp; replaces arginine 578 with tryptophan.
Molecular consequence: missense variant.
Genome position (GRCh38, 1-based): chr17:17,213,663, G>A on the plus strand (C>T on the coding strand, the complement: FLCN is on the minus strand). VCF-style: chr17-17213663-G-A. GRCh37 (hg19) VCF-style: chr17-17116977-G-A.
Other names: c.1732C>T (LRG_325t1, NM_144997.6); c.1786C>T, p.Arg596Trp (NM_001353229.2); c.1732C>T, p.Arg578Trp (NM_001353230.2, NM_001353231.2); short protein forms R596W, R578W.
Identifiers: ClinVar variation 651362 (VCV000651362.13), dbSNP rs775107483, ClinGen allele CA8415906.

ClinVar aggregate classification (germline): Conflicting classifications of pathogenicity. Review status: criteria provided, conflicting classifications (1 of 4 stars). 4 submissions from 4 submitters: Uncertain significance (3); Likely benign (1). Last evaluated 2025-09-22.

Conditions:
Hereditary cancer-predisposing syndrome. Also called: Hereditary Cancer Syndrome; Tumor predisposition; Neoplastic Syndromes, Hereditary; Hereditary neoplastic syndrome. Identifiers: Orphanet 140162, MedGen C0027672, MeSH D009386, MONDO:0015356.
Birt-Hogg-Dube syndrome. Also called: Birt Hogg Dubé syndrome. Identifiers: Orphanet 122, MedGen C0346010, MONDO:0800444.

Allele frequency attached by ClinVar (database versions not stated): gnomAD exomes below 0.00001 and 0.00001; TOPMed below 0.00001; gnomAD 0.00001; ExAC 0.00002.
gnomAD v4.1: 4 of 1,613,972 alleles (0.00025%); highest among the groups gnomAD compares: African/African-American, 0.0027%; no homozygotes.

Submissions (4):

Labcorp Genetics (formerly Invitae), Labcorp
Classification: Uncertain significance for Birt-Hogg-Dube syndrome. Last evaluated: 2025-09-22. Review status: criteria provided, single submitter. Criteria: Invitae Variant Classification Sherloc (09022015). Collection method: clinical testing. Allele origin: germline.
Comment: This sequence change replaces arginine, which is basic and polar, with tryptophan, which is neutral and slightly polar, at codon 578 of the FLCN protein (p.Arg578Trp). This variant is present in population databases (rs775107483, gnomAD 0.01%). This variant has not been reported in the literature in individuals affected with FLCN-related conditions. ClinVar contains an entry for this variant (Variation ID: 651362). An algorithm developed to predict the effect of missense changes on protein structure and function (PolyPhen-2) suggests that this variant is likely to be disruptive. In summary, the available evidence is currently insufficient to determine the role of this variant in disease. Therefore, it has been classified as a Variant of Uncertain Significance.

Quest Diagnostics Nichols Institute San Juan Capistrano
Classification: Uncertain significance. Last evaluated: 2024-11-02. Review status: criteria provided, single submitter. Criteria: Quest Diagnostics criteria. Collection method: clinical testing. Allele origin: unknown.
Comment: The FLCN c.1732C>T (p.Arg578Trp) variant has been reported in the published literature in in tissue samples from individual(s) with colorectal cancer (PMID: 38887977 (2024)). To the best of our knowledge, it has not been reported in individuals with FLCN-related conditions. The frequency of this variant in the general population, 0.000012 (3/251492 chromosomes (Genome Aggregation Database)), is uninformative in the assessment of its pathogenicity. Analysis of this variant using bioinformatics tools for the prediction of the effect of amino acid changes on protein structure and function yielded conflicting predictions that this variant is benign or damaging. Based on the available information, we are unable to determine the clinical significance of this variant.

Ambry Genetics
Classification: Likely benign for Hereditary cancer-predisposing syndrome. Last evaluated: 2024-05-02. Review status: criteria provided, single submitter. Criteria: Ambry Variant Classification Scheme 2023. Collection method: clinical testing. Allele origin: germline.

Institute for Clinical Genetics, University Hospital TU Dresden, University Hospital TU Dresden
Classification: Uncertain significance. Last evaluated: 2021-11-03. Review status: criteria provided, single submitter. Criteria: ACMG Guidelines, 2015. Collection method: clinical testing. Allele origin: germline.

Literature cited by the submitters: PubMed 33137092 (cited by Quest Diagnostics Nichols Institute San Juan Capistrano); PubMed 38887977 (cited by Quest Diagnostics Nichols Institute San Juan Capistrano).